The following is an entry in ClinVar:

ClinVar aggregate classification (germline): Likely benign. Review status: criteria provided, multiple submitters, no conflicts (2 of 4 stars). 3 submissions from 3 submitters: Likely benign (3). Last evaluated 2025-01-24.

Conditions:
FAM20A-related disorder. Also called: FAM20A-related condition.
Amelogenesis imperfecta type 1G (AI1G). Also called: Amelogenesis imperfecta-gingival hyperplasia syndrome; Amelogenesis imperfecta hypoplastic type, IG; Amelogenesis imperfecta and nephrocalcinosis; ENAMEL-RENAL-GINGIVAL SYNDROME; AMELOGENESIS IMPERFECTA, HYPOPLASTIC, WITH NEPHROCALCINOSIS; AMELOGENESIS IMPERFECTA, TYPE IG. Identifiers: Orphanet 1031, Orphanet 171836, MedGen C2931783, MONDO:0008771, OMIM 204690. Disease mechanism: loss of function.

Allele frequency attached by ClinVar (database versions not stated): gnomAD exomes 0.00003 and 0.00004; gnomAD 0.00006 and 0.00007; TOPMed 0.00008; ExAC 0.00009.
gnomAD v4.1: 55 of 1,593,452 alleles (0.0035%); highest among the groups gnomAD compares: Non-Finnish European, 0.0044%; no homozygotes.

Submissions (3):

PreventionGenetics, part of Exact Sciences
Classification: Likely benign for FAM20A-related condition. Last evaluated: 2025-01-24. Review status: criteria provided, single submitter. Criteria: ACMG Guidelines, 2015. Collection method: clinical testing. Allele origin: germline.
Comment: This variant is classified as likely benign based on ACMG/AMP sequence variant interpretation guidelines (Richards et al. 2015 PMID: 25741868, with internal and published modifications).

Fulgent Genetics
Classification: Likely benign for Amelogenesis imperfecta type 1G. Last evaluated: 2021-12-04. Review status: criteria provided, single submitter. Criteria: ACMG Guidelines, 2015. Collection method: clinical testing. Allele origin: unknown.

Labcorp Genetics (formerly Invitae), Labcorp
Classification: Likely benign. Last evaluated: 2020-12-12. Review status: criteria provided, single submitter. Criteria: Invitae Variant Classification Sherloc (09022015). Collection method: clinical testing. Allele origin: germline.

NM_017565.4(FAM20A):c.342C>T (p.Asp114=)

Gene: FAM20A (FAM20A golgi associated secretory pathway pseudokinase; minus strand). Cytogenetic location: 17q24.2.
Variant type: single nucleotide variant.
Coding change: c.342C>T on transcript NM_017565.4 (MANE Select); coding-DNA position 342, C replaced by T.
Protein change: p.Asp114=; no amino-acid change (aspartic acid 114 retained).
Molecular consequence: synonymous variant. On other transcripts: 5 prime UTR variant (1).
Genome position (GRCh38, 1-based): chr17:68,600,325, G>A on the plus strand (C>T on the coding strand, the complement: FAM20A is on the minus strand). VCF-style: chr17-68600325-G-A. GRCh37 (hg19) VCF-style: chr17-66596466-G-A.
Other names: c.-299C>T (NM_001243746.2); c.342C>T (NM_017565.3).
Identifiers: ClinVar variation 1532038 (VCV001532038.10), dbSNP rs778101746, ClinGen allele CA8730120.